The following is an entry in ClinVar:

NM_024809.5(TCTN2):c.225_226delinsTC (p.Asn76His)

Gene: TCTN2 (tectonic family member 2; plus strand). Cytogenetic location: 12q24.31.
Variant type: Indel.
Coding change: c.225_226delinsTC on transcript NM_024809.5 (MANE Select); coding-DNA positions 225 to 226, CA replaced by TC.
Protein change: p.Asn76His; replaces asparagine 76 with histidine.
Molecular consequence: missense variant.
Genome position (GRCh38, 1-based): chr12:123,672,090-123,672,091, CA replaced by TC. VCF-style: chr12-123672090-CA-TC. GRCh37 (hg19) VCF-style: chr12-124156637-CA-TC.
Other names: c.225_226delinsTC, p.Asn76His (NM_001143850.3); c.225_226delCAinsTC, p.Asn76His (NM_001410989.1); short protein forms N76H.
Identifiers: ClinVar variation 2004786 (VCV002004786.4), dbSNP rs2541747767, ClinGen allele CA2580085948.

ClinVar aggregate classification (germline): Uncertain significance (1 of 4 stars; one submission).

Conditions:
Joubert syndrome. Also called: CEREBELLOPARENCHYMAL DISORDER IV; JOUBERT-BOLTSHAUSER SYNDROME; Familial aplasia of the vermis. Identifiers: Orphanet 475, MedGen C5979921, MONDO:0018772.
Meckel-Gruber syndrome. Also called: DYSENCEPHALIA SPLANCHNOCYSTICA; GRUBER SYNDROME; Dysencephalia splachnocystica. Identifiers: Orphanet 564, MedGen C0265215, MONDO:0018921.

Submission:

Labcorp Genetics (formerly Invitae), Labcorp
Classification: Uncertain significance for Joubert syndrome; Meckel-Gruber syndrome. Last evaluated: 2022-06-11. Review status: criteria provided, single submitter. Criteria: Invitae Variant Classification Sherloc (09022015). Collection method: clinical testing. Allele origin: germline.
Comment: In summary, the available evidence is currently insufficient to determine the role of this variant in disease. Therefore, it has been classified as a Variant of Uncertain Significance. Experimental studies and prediction algorithms are not available or were not evaluated, and the functional significance of this variant is currently unknown. This variant has not been reported in the literature in individuals affected with TCTN2-related conditions. Information on the frequency of this variant in the gnomAD database is not available, as this variant may be reported differently in the database. This sequence change replaces asparagine, which is neutral and polar, with histidine, which is basic and polar, at codon 76 of the TCTN2 protein (p.Asn76His).